The following is an entry in ClinVar:

ClinVar aggregate classification (germline): Uncertain significance (1 of 4 stars; one submission).

gnomAD v4.1: 2 of 1,613,938 alleles (0.00012%); highest among the groups gnomAD compares: African/African-American, 0.0013%; no homozygotes.

Submission:

Labcorp Genetics (formerly Invitae), Labcorp
Classification: Uncertain significance. Last evaluated: 2024-02-22. Review status: criteria provided, single submitter. Criteria: Invitae Variant Classification Sherloc (09022015). Collection method: clinical testing. Allele origin: germline.
Comment: This sequence change replaces tryptophan, which is neutral and slightly polar, with arginine, which is basic and polar, at codon 616 of the ADGRE2 protein (p.Trp616Arg). This variant is not present in population databases (gnomAD no frequency). This variant has not been reported in the literature in individuals affected with ADGRE2-related conditions. An algorithm developed to predict the effect of missense changes on protein structure and function (PolyPhen-2) suggests that this variant is likely to be disruptive. In summary, the available evidence is currently insufficient to determine the role of this variant in disease. Therefore, it has been classified as a Variant of Uncertain Significance.

NM_013447.4(ADGRE2):c.1846T>C (p.Trp616Arg)

Gene: ADGRE2 (adhesion G protein-coupled receptor E2; minus strand). Cytogenetic location: 19p13.12.
Variant type: single nucleotide variant.
Coding change: c.1846T>C on transcript NM_013447.4 (MANE Select); coding-DNA position 1846, T replaced by C.
Protein change: p.Trp616Arg; replaces tryptophan 616 with arginine.
Molecular consequence: missense variant.
Genome position (GRCh38, 1-based): chr19:14,751,614, A>G on the plus strand (T>C on the coding strand, the complement: ADGRE2 is on the minus strand). VCF-style: chr19-14751614-A-G. GRCh37 (hg19) VCF-style: chr19-14862426-A-G.
Other names: c.1672T>C, p.Trp558Arg (NM_001271052.1); c.1699T>C, p.Trp567Arg (NM_152916.2); c.1567T>C, p.Trp523Arg (NM_152917.2); short protein forms W523R, W558R, W567R, W616R.
Identifiers: ClinVar variation 3623427 (VCV003623427.2).